The following is an entry in ClinVar:

NM_000540.3(RYR1):c.14511+8G>A

Gene: RYR1 (ryanodine receptor 1; plus strand). Cytogenetic location: 19q13.2.
Variant type: single nucleotide variant.
Coding change: c.14511+8G>A on transcript NM_000540.3 (MANE Select); 8 bases into the intron after coding-DNA position 14511, G replaced by A.
Molecular consequence: intron variant.
Genome position (GRCh38, 1-based): chr19:38,580,136, G>A. VCF-style: chr19-38580136-G-A. GRCh37 (hg19) VCF-style: chr19-39070776-G-A.
Other names: c.14496+8G>A (NM_001042723.2).
Identifiers: ClinVar variation 507785 (VCV000507785.9), dbSNP rs748627354, ClinGen allele CA308121711.

ClinVar aggregate classification (germline): Likely benign. Review status: criteria provided, multiple submitters, no conflicts (2 of 4 stars). 2 submissions from 2 submitters: Likely benign (2). Last evaluated 2025-08-18.

Conditions:
RYR1-related disorder. Also called: RYR1-related condition; RYR1-related disorders. Identifiers: MedGen CN239331.

Allele frequency attached by ClinVar (database versions not stated): gnomAD exomes below 0.00001 and 0.00004; TOPMed below 0.00001.
gnomAD v4.1: 67 of 1,614,168 alleles (0.0042%); highest among the groups gnomAD compares: Non-Finnish European, 0.0053%; no homozygotes.

Submissions (2):

Labcorp Genetics (formerly Invitae), Labcorp
Classification: Likely benign for RYR1-related disorder. Last evaluated: 2025-08-18. Review status: criteria provided, single submitter. Criteria: Invitae Variant Classification Sherloc (09022015). Collection method: clinical testing. Allele origin: germline.

GeneDx
Classification: Likely benign. Last evaluated: 2017-02-28. Review status: criteria provided, single submitter. Criteria: GeneDx Variant Classification (06012015). Collection method: clinical testing. Allele origin: germline. Affected: yes.
Comment: This variant is considered likely benign or benign based on one or more of the following criteria: it is a conservative change, it occurs at a poorly conserved position in the protein, it is predicted to be benign by multiple in silico algorithms, and/or has population frequency not consistent with disease.